The following is an entry in ClinVar:

NM_000487.6(ARSA):c.13G>A (p.Ala5Thr)

Gene: ARSA (arylsulfatase A; minus strand). Cytogenetic location: 22q13.33.
Variant type: single nucleotide variant.
Coding change: c.13G>A on transcript NM_000487.6 (MANE Select); coding-DNA position 13, G replaced by A.
Protein change: p.Ala5Thr; replaces alanine 5 with threonine.
Molecular consequence: missense variant. On other transcripts: intron variant (2).
Genome position (GRCh38, 1-based): chr22:50,627,767, C>T on the plus strand (G>A on the coding strand, the complement: ARSA is on the minus strand). VCF-style: chr22-50627767-C-T. GRCh37 (hg19) VCF-style: chr22-51066195-C-T.
Other names: c.13G>A, p.Ala5Thr (NM_001085425.3, NM_001085426.3, NM_001085427.3); c.-35+224G>A (NM_001362782.2); c.-35+179G>A (NM_001085428.3); short protein forms A5T.
Identifiers: ClinVar variation 959567 (VCV000959567.10), dbSNP rs765893073, ClinGen allele CA10325127.

ClinVar aggregate classification (germline): Uncertain significance. Review status: criteria provided, single submitter (1 of 4 stars). 2 submissions from 2 submitters: Uncertain significance (1). 1 of the submissions does not count toward it. Last evaluated 2021-09-01.

Conditions:
Metachromatic leukodystrophy (MLD). Also called: Arylsulfatase A Deficiency; SULFATIDE LIPIDOSIS; ARSA DEFICIENCY; CEREBROSIDE SULFATASE DEFICIENCY; METACHROMATIC LEUKOENCEPHALOPATHY; Cerebral sclerosis diffuse metachromatic form. Identifiers: Orphanet 512, MedGen C0023522, MONDO:0018868, OMIM 250100.

Allele frequency attached by ClinVar (database versions not stated): TOPMed below 0.00001; gnomAD exomes 0.00003; ExAC 0.00012.

Submissions (2):

Labcorp Genetics (formerly Invitae), Labcorp
Classification: Uncertain significance for Metachromatic leukodystrophy. Last evaluated: 2021-09-01. Review status: criteria provided, single submitter. Criteria: Invitae Variant Classification Sherloc (09022015). Collection method: clinical testing. Allele origin: germline.
Comment: This sequence change replaces alanine with threonine at codon 5 of the ARSA protein (p.Ala5Thr). The alanine residue is moderately conserved and there is a small physicochemical difference between alanine and threonine. This variant is present in population databases (rs765893073, ExAC 0.03%). This variant has not been reported in the literature in individuals affected with ARSA-related conditions. Algorithms developed to predict the effect of missense changes on protein structure and function output the following: SIFT: "Tolerated"; PolyPhen-2: "Possibly Damaging"; Align-GVGD: "Class C0". The threonine amino acid residue is found in multiple mammalian species, which suggests that this missense change does not adversely affect protein function. In summary, the available evidence is currently insufficient to determine the role of this variant in disease. Therefore, it has been classified as a Variant of Uncertain Significance.

Natera, Inc.
Classification: Uncertain significance for Metachromatic leukodystrophy. Last evaluated: 2021-05-06. Review status: no assertion criteria provided. Collection method: clinical testing. Allele origin: germline. Not counted in ClinVar's aggregate classification.